The following is an entry in ClinVar:

ClinVar aggregate classification (germline): Pathogenic (1 of 4 stars; one submission).

Conditions:
Carnitine palmitoyltransferase II deficiency. Also called: Carnitine Palmitoyltransferase 2 Deficiency. Identifiers: Orphanet 157, MedGen C0342790, MONDO:0015515.

Submission:

Labcorp Genetics (formerly Invitae), Labcorp
Classification: Pathogenic for Carnitine palmitoyltransferase II deficiency. Last evaluated: 2023-06-21. Review status: criteria provided, single submitter. Criteria: Invitae Variant Classification Sherloc (09022015). Collection method: clinical testing. Allele origin: germline.
Comment: This sequence change creates a premature translational stop signal (p.Pro227Phefs*8) in the CPT2 gene. It is expected to result in an absent or disrupted protein product. Loss-of-function variants in CPT2 are known to be pathogenic (PMID: 16781677, 16996287). This variant is not present in population databases (gnomAD no frequency). This variant has not been reported in the literature in individuals affected with CPT2-related conditions. For these reasons, this variant has been classified as Pathogenic.

Literature cited by the submitters: PubMed 16781677; PubMed 16996287.

NM_000098.3(CPT2):c.674_677dup (p.Pro227fs)

Gene: CPT2 (carnitine palmitoyltransferase 2; plus strand). Cytogenetic location: 1p32.3.
Variant type: Duplication.
Coding change: c.674_677dup on transcript NM_000098.3 (MANE Select); coding-DNA positions 674 to 677, 4 bases duplicated (GTTT; older notation c.674_677dupGTTT).
Protein change: p.Pro227fs; shifts the reading frame from proline 227.
Molecular consequence: frameshift variant.
Genome position (GRCh38, 1-based): chr1:53,210,348-53,210,351, GTTT duplicated. VCF-style (leftmost placement, unchanged base first): chr1-53210347-C-CGTTT. GRCh37 (hg19) VCF-style: chr1-53676019-C-CGTTT.
Other names: c.674_677dup, p.Pro227fs (NM_001330589.2); short protein forms P227fs.
Identifiers: ClinVar variation 2720400 (VCV002720400.3), dbSNP rs2525587370, ClinGen allele CA2697552422.
Genomic context (GRCh38, chr1:53,210,347, plus strand): 5'-TACCTGGTCAATGCGTATCCCCTGGATATGTCCCAGTATTTTCGGCTTTTCAACTCAACT[C>CGTTT]GTTTACCCAAACCCAGTCGGGATGAACTCTTCACTGATGACAAGGCCAGACACCTCCTGG-3'